The following is an entry in ClinVar:

ClinVar aggregate classification (germline): Uncertain significance (1 of 4 stars; one submission).

Allele frequency attached by ClinVar (database versions not stated): gnomAD exomes below 0.00001; ExAC 0.00001; gnomAD 0.00001; 1000 Genomes Project 0.00040; 1000 Genomes Project 30x 0.00062.
gnomAD v4.1: 4 of 1,598,382 alleles (0.00025%); highest among the groups gnomAD compares: Admixed American, 0.005%; no homozygotes.

Submission:

Labcorp Genetics (formerly Invitae), Labcorp
Classification: Uncertain significance. Last evaluated: 2024-04-29. Review status: criteria provided, single submitter. Criteria: Invitae Variant Classification Sherloc (09022015). Collection method: clinical testing. Allele origin: germline.
Comment: This sequence change replaces threonine, which is neutral and polar, with serine, which is neutral and polar, at codon 29 of the RAB28 protein (p.Thr29Ser). This variant is present in population databases (rs570868513, gnomAD 0.003%). This variant has not been reported in the literature in individuals affected with RAB28-related conditions. ClinVar contains an entry for this variant (Variation ID: 1486885). An algorithm developed to predict the effect of missense changes on protein structure and function (PolyPhen-2) suggests that this variant is likely to be tolerated. In summary, the available evidence is currently insufficient to determine the role of this variant in disease. Therefore, it has been classified as a Variant of Uncertain Significance.

NM_001017979.3(RAB28):c.86C>G (p.Thr29Ser)

Gene: RAB28 (RAB28, member RAS oncogene family; minus strand). Cytogenetic location: 4p15.33.
Variant type: single nucleotide variant.
Coding change: c.86C>G on transcript NM_001017979.3 (MANE Select); coding-DNA position 86, C replaced by G.
Protein change: p.Thr29Ser; replaces threonine 29 with serine.
Molecular consequence: missense variant.
Genome position (GRCh38, 1-based): chr4:13,479,516, G>C on the plus strand (C>G on the coding strand, the complement: RAB28 is on the minus strand). VCF-style: chr4-13479516-G-C. GRCh37 (hg19) VCF-style: chr4-13481140-G-C.
Other names: c.86C>G, p.Thr29Ser (NM_001159601.2, NM_004249.4); short protein forms T29S.
Identifiers: ClinVar variation 1486885 (VCV001486885.8), dbSNP rs570868513, ClinGen allele CA2860220.